The following is an entry in ClinVar:

NM_001376.5(DYNC1H1):c.1777G>T (p.Val593Phe)

Gene: DYNC1H1 (dynein cytoplasmic 1 heavy chain 1; plus strand). Cytogenetic location: 14q32.31.
Variant type: single nucleotide variant.
Coding change: c.1777G>T on transcript NM_001376.5 (MANE Select); coding-DNA position 1777, G replaced by T.
Protein change: p.Val593Phe; replaces valine 593 with phenylalanine.
Molecular consequence: missense variant.
Genome position (GRCh38, 1-based): chr14:101,986,002, G>T. VCF-style: chr14-101986002-G-T. GRCh37 (hg19) VCF-style: chr14-102452339-G-T.
Other names: short protein forms V593F.
Identifiers: ClinVar variation 943318 (VCV000943318.9), dbSNP rs2047932647, ClinGen allele CA391019326.

ClinVar aggregate classification (germline): Likely pathogenic (1 of 4 stars; one submission).

Conditions:
Charcot-Marie-Tooth disease axonal type 2O. Also called: CHARCOT-MARIE-TOOTH NEUROPATHY, AXONAL, TYPE 2O; CHARCOT-MARIE-TOOTH DISEASE, AXONAL, AUTOSOMAL DOMINANT, TYPE 2O; Charcot-Marie-Tooth Neuropathy Type 2O; Charcot-Marie-Tooth disease, axonal, type 20. Identifiers: Orphanet 284232, MedGen C3280220, MONDO:0013644, OMIM 614228.

Submission:

Labcorp Genetics (formerly Invitae), Labcorp
Classification: Likely pathogenic for Charcot-Marie-Tooth disease axonal type 2O. Last evaluated: 2022-06-10. Review status: criteria provided, single submitter. Criteria: Invitae Variant Classification Sherloc (09022015). Collection method: clinical testing. Allele origin: germline.
Comment: This missense change has been observed in individual(s) with DYNC1H1-related clinical features (Invitae). In at least one individual the variant was observed to be de novo. This sequence change replaces valine, which is neutral and non-polar, with phenylalanine, which is neutral and non-polar, at codon 593 of the DYNC1H1 protein (p.Val593Phe). This variant is not present in population databases (gnomAD no frequency). ClinVar contains an entry for this variant (Variation ID: 943318). Algorithms developed to predict the effect of missense changes on protein structure and function are either unavailable or do not agree on the potential impact of this missense change (SIFT: "Deleterious"; PolyPhen-2: "Benign"; Align-GVGD: "Class C0"). In summary, the currently available evidence indicates that the variant is pathogenic, but additional data are needed to prove that conclusively. Therefore, this variant has been classified as Likely Pathogenic.